The following is an entry in ClinVar:

NM_007294.4(BRCA1):c.1789G>T (p.Glu597Ter)

Gene: BRCA1 (BRCA1 DNA repair associated; minus strand). Cytogenetic location: 17q21.31.
Variant type: single nucleotide variant.
Coding change: c.1789G>T on transcript NM_007294.4 (MANE Select); coding-DNA position 1789, G replaced by T.
Protein change: p.Glu597Ter; replaces glutamic acid 597 with a stop codon.
Molecular consequence: nonsense. On other transcripts: intron variant (137).
Genome position (GRCh38, 1-based): chr17:43,093,742, C>A on the plus strand (G>T on the coding strand, the complement: BRCA1 is on the minus strand). VCF-style: chr17-43093742-C-A. GRCh37 (hg19) VCF-style: chr17-41245759-C-A.
Other names: 1908G>T; c.1576G>T, p.Glu526Ter (NM_001407571.1, NM_001407853.1, NM_001407894.1 and 9 more transcripts); c.1789G>T, p.Glu597Ter (NM_001407581.1, NM_001407582.1, NM_001407583.1 and 30 more transcripts); c.1786G>T, p.Glu596Ter (NM_001407587.1, NM_001407590.1, NM_001407591.1 and 22 more transcripts); c.1780G>T, p.Glu594Ter (NM_001407646.1, NM_001407647.1); c.1666G>T, p.Glu556Ter (NM_001407648.1, NM_001407664.1, NM_001407665.1 and 19 more transcripts); c.1663G>T, p.Glu555Ter (NM_001407649.1, NM_001407670.1, NM_001407671.1 and 11 more transcripts); c.1711G>T, p.Glu571Ter (NM_001407653.1, NM_001407654.1, NM_001407655.1 and 4 more transcripts); and 41 more; short protein forms E597*, E550*, E429*, E470*, E486*, E526*, E530*, E555*.
Identifiers: ClinVar variation 54348 (VCV000054348.22), dbSNP rs55650082, ClinGen allele CA001161.

ClinVar aggregate classification (germline): Pathogenic. Review status: reviewed by expert panel (3 of 4 stars). 11 submissions from 11 submitters: Pathogenic (1). 10 of the submissions do not count toward it. Last evaluated 2016-09-08.

Conditions:
BRCA1-related disorder. Also called: BRCA1-related condition.
Hereditary cancer-predisposing syndrome. Also called: Tumor predisposition; Neoplastic Syndromes, Hereditary; Hereditary Cancer Syndrome; Hereditary neoplastic syndrome. Identifiers: Orphanet 140162, MedGen C0027672, MeSH D009386, MONDO:0015356.
Hereditary breast ovarian cancer syndrome. Also called: Hereditary breast and ovarian cancer syndrome (HBOC); Hereditary breast and ovarian cancer syndrome; Hereditary breast and ovarian cancer; Hereditary breast and/or ovarian cancer syndrome; Breast and ovarian cancer; BRCA1- and BRCA2-Associated Hereditary Breast and Ovarian Cancer. Identifiers: Orphanet 145, MedGen C0677776, MeSH D061325, MONDO:0003582. Disease mechanism: loss of function.
Breast-ovarian cancer, familial, susceptibility to, 1 (BROVCA1). Also called: OVARIAN CANCER, SUSCEPTIBILITY TO; BRCA1 Hereditary Breast and Ovarian Cancer. Identifiers: Orphanet 145, MedGen C2676676, MONDO:0011450, OMIM 604370. Disease mechanism: loss of function.

Submissions (11):

Evidence-based Network for the Interpretation of Germline Mutant Alleles (ENIGMA)
Classification: Pathogenic for Breast-ovarian cancer, familial, susceptibility to, 1. Last evaluated: 2016-09-08. Review status: reviewed by expert panel. Criteria: ENIGMA BRCA1/2 Classification Criteria (2015). Collection method: curation. Allele origin: germline.
Comment: Variant allele predicted to encode a truncated non-functional protein.

Labcorp Genetics (formerly Invitae), Labcorp
Classification: Pathogenic for Hereditary breast ovarian cancer syndrome. Last evaluated: 2024-05-15. Review status: criteria provided, single submitter. Criteria: Invitae Variant Classification Sherloc (09022015). Collection method: clinical testing. Allele origin: germline. Not counted in ClinVar's aggregate classification.
Comment: This sequence change creates a premature translational stop signal (p.Glu597*) in the BRCA1 gene. It is expected to result in an absent or disrupted protein product. Loss-of-function variants in BRCA1 are known to be pathogenic (PMID: 20104584). This variant is not present in population databases (gnomAD no frequency). This premature translational stop signal has been observed in individual(s) with breast and/or ovarian cancer (PMID: 24549055). ClinVar contains an entry for this variant (Variation ID: 54348). For these reasons, this variant has been classified as Pathogenic.

Quest Diagnostics Nichols Institute San Juan Capistrano
Classification: Pathogenic. Last evaluated: 2023-12-27. Review status: criteria provided, single submitter. Criteria: Quest Diagnostics criteria. Collection method: clinical testing. Allele origin: unknown. Not counted in ClinVar's aggregate classification.
Comment: The BRCA1 c.1789G>T (p.Glu597*) variant causes the premature termination of BRCA1 protein synthesis. This variant has been reported in the published literature in individuals with a personal and/or family history of breast and/or ovarian cancer (PMID: 24549055 (2004), 31159747 (2019), 32862574 (2020), 35409996 (2022)). This variant has not been reported in large, multi-ethnic general populations (Genome Aggregation Database). Based on the available information, this variant is classified as pathogenic.

Blueprint Genetics
Classification: Pathogenic for BRCA1-related disorders. Last evaluated: 2023-02-03. Review status: criteria provided, single submitter. Criteria: ACMG Guidelines, 2015. Collection method: clinical testing. Allele origin: germline. Affected: yes. Observed: 2 variant alleles. Not counted in ClinVar's aggregate classification.

Baylor Genetics
Classification: Pathogenic for Breast-ovarian cancer, familial, susceptibility to, 1. Last evaluated: 2022-11-11. Review status: criteria provided, single submitter. Criteria: ACMG Guidelines, 2015. Collection method: clinical testing. Allele origin: unknown. Not counted in ClinVar's aggregate classification.

Revvity Omics, Revvity
Classification: Likely pathogenic. Last evaluated: 2022-03-22. Review status: criteria provided, single submitter. Criteria: ACMG Guidelines, 2015. Collection method: clinical testing. Allele origin: germline. Not counted in ClinVar's aggregate classification.

Ambry Genetics
Classification: Pathogenic for Hereditary cancer-predisposing syndrome. Last evaluated: 2021-11-29. Review status: criteria provided, single submitter. Criteria: Ambry Variant Classification Scheme 2023. Collection method: clinical testing. Allele origin: germline. Not counted in ClinVar's aggregate classification.
Comment: The p.E597* pathogenic mutation (also known as c.1789G>T), located in coding exon 9 of the BRCA1 gene, results from a G to T substitution at nucleotide position 1789. This changes the amino acid from a glutamic acid to a stop codon within coding exon 9. This alteration has been reported in individuals with a personal and/or family history of breast and/or ovarian cancer (Cast&eacute;ra L et al. Eur. J. Hum. Genet., 2014 Nov;22:1305-13; Demir S et al. J BUON;25:1337-1347; Tsaousis GN et al. BMC Cancer, 2019 Jun;19:535). This variant is considered to be rare based on population cohorts in the Genome Aggregation Database (gnomAD). In addition to the clinical data presented in the literature, this alteration is expected to result in loss of function by premature protein truncation or nonsense-mediated mRNA decay. As such, this alteration is interpreted as a disease-causing mutation.

GeneKor MSA
Classification: Pathogenic for Breast-ovarian cancer, familial 1. Last evaluated: 2020-01-01. Review status: criteria provided, single submitter. Criteria: ACMG Guidelines, 2015. Collection method: clinical testing. Allele origin: germline. Affected: yes. Not counted in ClinVar's aggregate classification.
Comment: This sequence change creates a premature translational stop signal at codon 1789 of the BRCA1 protein. It is expected to result in an absent or disrupted protein product. This variant has been described in the international bibliography in an individual with a personal and family history of breast and/or ovarian cancer indicative of a hereditary predisposition (PMID: 24549055). Truncating variants in BRCA1 are known to be pathogenic. This particular variant has been described in the mutation database ClinVar (Variation ID: 54348)

Research Molecular Genetics Laboratory, Women's College Hospital, University of Toronto
Classification: Pathogenic for Hereditary breast ovarian cancer syndrome. Last evaluated: 2014-01-31. Review status: no assertion criteria provided. Collection method: research. Allele origin: germline. Affected: yes. Study: The Canadian Open Genetics Repository (COGR). Not counted in ClinVar's aggregate classification.

Sharing Clinical Reports Project (SCRP)
Classification: Pathogenic for Breast-ovarian cancer, familial 1. Last evaluated: 2012-11-13. Review status: no assertion criteria provided. Collection method: clinical testing. Allele origin: germline. Not counted in ClinVar's aggregate classification.

Breast Cancer Information Core (BIC) (BRCA1)
Classification: Pathogenic for Breast-ovarian cancer, familial 1. Last evaluated: 2004-11-25. Review status: no assertion criteria provided. Collection method: clinical testing. Allele origin: germline. Affected: yes. Observed: 1 variant allele. Not counted in ClinVar's aggregate classification.

Literature cited by the submitters: PubMed 20104584 (cited by Labcorp Genetics (formerly Invitae), Labcorp); PubMed 24549055 (cited by 3 submitters); PubMed 31159747 (cited by Quest Diagnostics Nichols Institute San Juan Capistrano and Ambry Genetics); PubMed 32862574 (cited by Quest Diagnostics Nichols Institute San Juan Capistrano and Ambry Genetics); PubMed 35409996 (cited by Quest Diagnostics Nichols Institute San Juan Capistrano).